The following is an entry in ClinVar:

NM_000501.4(ELN):c.1621C>T (p.Arg541Ter)

Genes: ELN (elastin; plus strand), ELN-AS1 (ELN antisense RNA 1; minus strand). Cytogenetic location: 7q11.23.
Variant type: single nucleotide variant.
Coding change: c.1621C>T on transcript NM_000501.4 (MANE Select); coding-DNA position 1621, C replaced by T.
Protein change: p.Arg541Ter; replaces arginine 541 with a stop codon.
Molecular consequence: nonsense. On other transcripts: intron variant (1).
Genome position (GRCh38, 1-based): chr7:74,060,184, C>T. VCF-style: chr7-74060184-C-T. GRCh37 (hg19) VCF-style: chr7-73474514-C-T.
Other names: p.R541*:CGA>TGA; 1621C-T; c.1534C>T, p.Arg512Ter (NM_001081752.3); c.1579C>T, p.Arg527Ter (NM_001081753.3); c.1636C>T, p.Arg546Ter (NM_001081754.3); c.1564C>T, p.Arg522Ter (NM_001081755.3); c.1621C>T, p.Arg541Ter (NM_001278912.2); c.1378C>T, p.Arg460Ter (NM_001278913.2); and 6 more; short protein forms R570*, R452*, R460*, R512*, R517*, R522*, R527*, R531*.
Identifiers: ClinVar variation 16723 (VCV000016723.10), dbSNP rs137854453, ClinGen allele CA281027.

ClinVar aggregate classification (germline): Pathogenic. Review status: criteria provided, multiple submitters, no conflicts (2 of 4 stars). 9 submissions from 8 submitters: Pathogenic (7). 2 of the submissions do not count toward it. Last evaluated 2026-09-15.

Conditions:
ELN-related disorder.
Supravalvar aortic stenosis (SVAS). Also called: Supravalvar aortic stenosis, Eisenberg type. Identifiers: Orphanet 3193, MedGen C0003499, MONDO:0008504, OMIM 185500, HP:0004381.
Cutis laxa, autosomal dominant 1 (ADCL1). Also called: ELN-Related Cutis Laxa. Identifiers: Orphanet 90348, MedGen C3276539, MONDO:0007411, OMIM 123700. Disease mechanism: Dominant Negative.

Submissions (9):

GeneDx
Classification: Pathogenic. Last evaluated: 2026-09-15. Review status: criteria provided, single submitter. Criteria: GeneDx Variant Classification Process June 2021. Collection method: clinical testing. Allele origin: germline.
Comment: Not observed at significant frequency in large population cohorts (gnomAD); Also known as p.R570*; Nonsense variant predicted to result in protein truncation or nonsense mediated decay in a gene for which loss of function is a known mechanism of disease; This variant is associated with the following publications: (PMID: 9215670, 40127276, 31941532, 28991257, 32368696, 33084842, 34539730, 36518217, 42516359, 18348261, 11175284)

Labcorp Genetics (formerly Invitae), Labcorp
Classification: Pathogenic for Supravalvar aortic stenosis. Last evaluated: 2024-08-08. Review status: criteria provided, single submitter. Criteria: Invitae Variant Classification Sherloc (09022015). Collection method: clinical testing. Allele origin: germline.
Comment: This sequence change creates a premature translational stop signal (p.Arg570*) in the ELN gene. It is expected to result in an absent or disrupted protein product. Loss-of-function variants in ELN are known to be pathogenic (PMID: 11175284). This variant is not present in population databases (gnomAD no frequency). This premature translational stop signal has been observed in individual(s) with cutis laxa and/or supravalvular aortic stenosis (PMID: 9215670, 18348261). ClinVar contains an entry for this variant (Variation ID: 16723). For these reasons, this variant has been classified as Pathogenic.

Blueprint Genetics
Classification: Pathogenic for ELN-related disorders. Last evaluated: 2024-06-10. Review status: criteria provided, single submitter. Criteria: ACMG Guidelines, 2015. Collection method: clinical testing. Allele origin: germline. Affected: yes. Observed: 5 variant alleles.

Institute of Medical Genetics and Applied Genomics, University Hospital Tübingen
Classification: Pathogenic for Supravalvar aortic stenosis. Last evaluated: 2023-11-15. Review status: criteria provided, single submitter. Criteria: ACMG Guidelines, 2015. Collection method: clinical testing. Allele origin: germline. Inheritance: Autosomal dominant inheritance. Affected: yes.

Laboratoire de Génétique Moléculaire, CHU Bordeaux
Classification: Pathogenic for Supravalvar aortic stenosis. Last evaluated: 2023-06-23. Review status: criteria provided, single submitter. Criteria: ACMG Guidelines, 2015. Collection method: clinical testing. Allele origin: germline. Affected: yes.

PreventionGenetics, part of Exact Sciences
Classification: Pathogenic for ELN-related condition. Last evaluated: 2022-10-31. Review status: criteria provided, single submitter. Criteria: ACMG Guidelines, 2015. Collection method: clinical testing. Allele origin: germline.
Comment: The ELN c.1621C>T variant is predicted to result in premature protein termination (p.Arg541*). In an alternate transcript (NM_00127893.2) this variant is referred to as c.1708C>T (p.Arg570*). This variant has been reported in multiple individuals with ELN-related disease and in at least one individual it was reported to occur de novo (see for example - Li et al. 1997. PubMed ID: 9215670; Table S9 - Jin et al. 2017. PubMed ID: 28991257). This variant has not been reported in a large population database, indicating this variant is rare. Nonsense variants in ELN are expected to be pathogenic. This variant is interpreted as pathogenic.

Beijing Key Laboratry for Genetics of Birth Defects, Beijing Children's Hospital
Classification: Pathogenic for Supravalvar aortic stenosis. Last evaluated: 2020-02-28. Review status: criteria provided, single submitter. Criteria: ACMG Guidelines, 2015. Collection method: clinical testing. Allele origin: germline. Affected: yes. Observed: 1 variant allele.

OMIM
Classification: Pathogenic for CUTIS LAXA, AUTOSOMAL DOMINANT 1. Last evaluated: 2008-04-15. Review status: no assertion criteria provided. Collection method: literature only. Allele origin: germline. Not counted in ClinVar's aggregate classification.

OMIM
Classification: Pathogenic for SUPRAVALVULAR AORTIC STENOSIS. Last evaluated: 2000-12-01. Review status: no assertion criteria provided. Collection method: literature only. Allele origin: germline. Not counted in ClinVar's aggregate classification.

Literature cited by the submitters: PubMed 11175284 (cited by Labcorp Genetics (formerly Invitae), Labcorp and OMIM); PubMed 9215670 (cited by Labcorp Genetics (formerly Invitae), Labcorp and OMIM); PubMed 18348261 (cited by Labcorp Genetics (formerly Invitae), Labcorp and OMIM).